The following is an entry in ClinVar:

NM_001673.5(ASNS):c.1465G>T (p.Val489Phe)

Genes: ASNS (asparagine synthetase (glutamine-hydrolyzing); minus strand), CZ1P-ASNS (CZ1P-ASNS readthrough; minus strand). Cytogenetic location: 7q21.3.
Variant type: single nucleotide variant.
Coding change: c.1465G>T on transcript NM_001673.5 (MANE Select); coding-DNA position 1465, G replaced by T.
Protein change: p.Val489Phe; replaces valine 489 with phenylalanine.
Molecular consequence: missense variant. On other transcripts: non-coding transcript variant (1).
Genome position (GRCh38, 1-based): chr7:97,853,071, C>A on the plus strand (G>T on the coding strand, the complement: ASNS is on the minus strand). VCF-style: chr7-97853071-C-A. GRCh37 (hg19) VCF-style: chr7-97482383-C-A.
Other names: c.1402G>T, p.Val468Phe (NM_001178075.2); c.1216G>T, p.Val406Phe (NM_001178076.2, NM_001178077.1); c.1465G>T, p.Val489Phe (NM_001352496.2, NM_133436.3, NM_183356.4); short protein forms V489F, V468F, V406F.
Identifiers: ClinVar variation 1420816 (VCV001420816.3), dbSNP rs772079299, ClinGen allele CA368264441.

ClinVar aggregate classification (germline): Uncertain significance (1 of 4 stars; one submission).

gnomAD v4.1: 3 of 1,579,272 alleles (0.00019%); highest among the groups gnomAD compares: African/African-American, 0.0014%; no homozygotes.

Submission:

Labcorp Genetics (formerly Invitae), Labcorp
Classification: Uncertain significance. Last evaluated: 2022-08-06. Review status: criteria provided, single submitter. Criteria: Invitae Variant Classification Sherloc (09022015). Collection method: clinical testing. Allele origin: germline.
Comment: This sequence change replaces valine, which is neutral and non-polar, with phenylalanine, which is neutral and non-polar, at codon 489 of the ASNS protein (p.Val489Phe). This variant is not present in population databases (gnomAD no frequency). This variant has not been reported in the literature in individuals affected with ASNS-related conditions. ClinVar contains an entry for this variant (Variation ID: 1420816). Algorithms developed to predict the effect of missense changes on protein structure and function are either unavailable or do not agree on the potential impact of this missense change (SIFT: "Deleterious"; PolyPhen-2: "Benign"; Align-GVGD: "Class C0"). In summary, the available evidence is currently insufficient to determine the role of this variant in disease. Therefore, it has been classified as a Variant of Uncertain Significance.